The following is an entry in ClinVar:

ClinVar aggregate classification (germline): Conflicting classifications of pathogenicity. Review status: criteria provided, conflicting classifications (1 of 4 stars). 2 submissions from 2 submitters: Uncertain significance (1); Likely benign (1). Last evaluated 2025-05-07.

Conditions:
COL2A1-related disorder. Also called: COL2A1-related condition; COL2A1-related disorders.

Submissions (2):

PreventionGenetics, part of Exact Sciences
Classification: Likely benign for COL2A1-related condition. Last evaluated: 2025-05-07. Review status: criteria provided, single submitter. Criteria: ACMG Guidelines, 2015. Collection method: clinical testing. Allele origin: germline.
Comment: This variant is classified as likely benign based on ACMG/AMP sequence variant interpretation guidelines (Richards et al. 2015 PMID: 25741868, with internal and published modifications).

Labcorp Genetics (formerly Invitae), Labcorp
Classification: Uncertain significance. Last evaluated: 2025-02-01. Review status: criteria provided, single submitter. Criteria: Invitae Variant Classification Sherloc (09022015). Collection method: clinical testing. Allele origin: germline.
Comment: This sequence change falls in intron 30 of the COL2A1 gene. It does not directly change the encoded amino acid sequence of the COL2A1 protein. It affects a nucleotide within the consensus splice site. This variant is present in population databases (no rsID available, gnomAD 0.006%). This variant has not been reported in the literature in individuals affected with COL2A1-related conditions. ClinVar contains an entry for this variant (Variation ID: 1369106). Variants that disrupt the consensus splice site are a relatively common cause of aberrant splicing (PMID: 17576681, 9536098). Algorithms developed to predict the effect of sequence changes on RNA splicing suggest that this variant may disrupt the consensus splice site. In summary, the available evidence is currently insufficient to determine the role of this variant in disease. Therefore, it has been classified as a Variant of Uncertain Significance.

Literature cited by the submitters: PubMed 17576681 (cited by Labcorp Genetics (formerly Invitae), Labcorp); PubMed 9536098 (cited by Labcorp Genetics (formerly Invitae), Labcorp).

NM_001844.5(COL2A1):c.1995+5del

Gene: COL2A1 (collagen type II alpha 1 chain; minus strand). Cytogenetic location: 12q13.11.
Variant type: Deletion.
Coding change: c.1995+5del on transcript NM_001844.5 (MANE Select); 5 bases into the intron after coding-DNA position 1995, one base deleted (G; older notation c.1995+5delG).
Molecular consequence: intron variant.
Genome position (GRCh38, 1-based): chr12:47,983,678, C deleted on the plus strand (G on the coding strand, the reverse complement: COL2A1 is on the minus strand); the first of 2 consecutive C bases (chr12:47,983,678-47,983,679); deleting either gives the same sequence. VCF-style (leftmost placement, unchanged base first): chr12-47983677-AC-A. GRCh37 (hg19) VCF-style: chr12-48377460-AC-A.
Other names: c.1788+5del (NM_033150.3); c.1995+5delG (NM_001844.4).
Identifiers: ClinVar variation 1369106 (VCV001369106.7), dbSNP rs1249881190, ClinGen allele CA604851393.
Genomic context (GRCh38, chr12:47,983,677, plus strand): 5'-GCTGCTGTCCCAGGGAGCCCTGGGTATGGCAAAGGACTGCACAGAGAGCCTGGTCCAGCC[AC>A]CTACCTGGAACCCAGATGGCCCAGGAGCACCCTGCTCGCCTCGTTCACCAGCAGGTCCCT-3'